The following is an entry in ClinVar:

NM_000182.5(HADHA):c.637_638del (p.Lys213fs)

Gene: HADHA (hydroxyacyl-CoA dehydrogenase trifunctional multienzyme complex subunit alpha; minus strand). Cytogenetic location: 2p23.3.
Variant type: Deletion.
Coding change: c.637_638del on transcript NM_000182.5 (MANE Select); coding-DNA positions 637 to 638, 2 bases deleted (AA; older notation c.637_638delAA).
Protein change: p.Lys213fs; shifts the reading frame from lysine 213.
Molecular consequence: frameshift variant.
Genome position (GRCh38, 1-based): chr2:26,230,230-26,230,231, TT deleted on the plus strand (AA on the coding strand, the reverse complement: HADHA is on the minus strand); deleting any 2 consecutive bases within chr2:26,230,230-26,230,232 gives the same sequence; the c. name uses the placement nearest the transcript's 3' end. VCF-style (leftmost placement, unchanged base first): chr2-26230229-CTT-C. GRCh37 (hg19) VCF-style: chr2-26453097-CTT-C.
Other names: short protein forms K213fs.
Identifiers: ClinVar variation 2948662 (VCV002948662.3), dbSNP rs2465591521, ClinGen allele CA2740092747.

ClinVar aggregate classification (germline): Pathogenic (1 of 4 stars; one submission).

Conditions:
Mitochondrial trifunctional protein deficiency. Identifiers: Orphanet 746, MedGen C1969443, MONDO:0012172.
Long chain 3-hydroxyacyl-CoA dehydrogenase deficiency. Also called: LCHAD Deficiency; Deficiency of long-chain 3-hydroxyacyl-coenzyme A dehydrogenase. Identifiers: Orphanet 5, MedGen C3711645, MONDO:0012173, OMIM 609016.

Submission:

Labcorp Genetics (formerly Invitae), Labcorp
Classification: Pathogenic for Mitochondrial trifunctional protein deficiency; Long chain 3-hydroxyacyl-CoA dehydrogenase deficiency. Last evaluated: 2023-06-15. Review status: criteria provided, single submitter. Criteria: Invitae Variant Classification Sherloc (09022015). Collection method: clinical testing. Allele origin: germline.
Comment: This sequence change creates a premature translational stop signal (p.Lys213Glufs*6) in the HADHA gene. It is expected to result in an absent or disrupted protein product. Loss-of-function variants in HADHA are known to be pathogenic (PMID: 7738175, 21103935, 21549624, 22459206). This variant is not present in population databases (gnomAD no frequency). This variant has not been reported in the literature in individuals affected with HADHA-related conditions. For these reasons, this variant has been classified as Pathogenic.

Literature cited by the submitters: PubMed 7738175; PubMed 21103935; PubMed 21549624; PubMed 22459206.